The following is an entry in ClinVar:

ClinVar aggregate classification (germline): Uncertain significance (1 of 4 stars; one submission).

Allele frequency attached by ClinVar (database versions not stated): gnomAD exomes below 0.00001.
gnomAD v4.1: 2 of 1,613,264 alleles (0.00012%); highest among the groups gnomAD compares: Admixed American, 0.0017%; no homozygotes.

Submission:

Labcorp Genetics (formerly Invitae), Labcorp
Classification: Uncertain significance. Last evaluated: 2022-09-23. Review status: criteria provided, single submitter. Criteria: Invitae Variant Classification Sherloc (09022015). Collection method: clinical testing. Allele origin: germline.
Comment: This sequence change replaces valine, which is neutral and non-polar, with glycine, which is neutral and non-polar, at codon 412 of the ZCCHC8 protein (p.Val412Gly). This variant is not present in population databases (gnomAD no frequency). This variant has not been reported in the literature in individuals affected with ZCCHC8-related conditions. Advanced modeling of protein sequence and biophysical properties (such as structural, functional, and spatial information, amino acid conservation, physicochemical variation, residue mobility, and thermodynamic stability) performed at Invitae indicates that this missense variant is not expected to disrupt ZCCHC8 protein function. In summary, the available evidence is currently insufficient to determine the role of this variant in disease. Therefore, it has been classified as a Variant of Uncertain Significance.

NM_017612.5(ZCCHC8):c.1235T>G (p.Val412Gly)

Gene: ZCCHC8 (zinc finger CCHC-type containing 8; minus strand). Cytogenetic location: 12q24.31.
Variant type: single nucleotide variant.
Coding change: c.1235T>G on transcript NM_017612.5 (MANE Select); coding-DNA position 1235, T replaced by G.
Protein change: p.Val412Gly; replaces valine 412 with glycine.
Molecular consequence: missense variant.
Genome position (GRCh38, 1-based): chr12:122,477,951, A>C on the plus strand (T>G on the coding strand, the complement: ZCCHC8 is on the minus strand). VCF-style: chr12-122477951-A-C. GRCh37 (hg19) VCF-style: chr12-122962498-A-C.
Other names: c.1004T>G, p.Val335Gly (NM_001350935.2); c.938T>G, p.Val313Gly (NM_001350936.2); c.521T>G, p.Val174Gly (NM_001350937.2, NM_001350938.2); short protein forms V313G, V174G, V335G, V412G.
Identifiers: ClinVar variation 1951712 (VCV001951712.5), dbSNP rs2547198678, ClinGen allele CA387050936.